The following is an entry in ClinVar:

NM_017514.5(PLXNA3):c.3549C>T (p.Cys1183=)

Gene: PLXNA3 (plexin A3; plus strand). Cytogenetic location: Xq28.
Variant type: single nucleotide variant.
Coding change: c.3549C>T on transcript NM_017514.5 (MANE Select); coding-DNA position 3549, C replaced by T.
Protein change: p.Cys1183=; no amino-acid change (cysteine 1183 retained).
Molecular consequence: synonymous variant.
Genome position (GRCh38, 1-based): chrX:154,467,652, C>T. VCF-style: chrX-154467652-C-T. GRCh37 (hg19) VCF-style: chrX-153695995-C-T.
Identifiers: ClinVar variation 3032649 (VCV003032649.2), dbSNP rs140141994, ClinGen allele CA10564655.

ClinVar aggregate classification (germline): Likely benign (0 of 4 stars; one submission).

Conditions:
PLXNA3-related disorder. Also called: PLXNA3-related condition.

Allele frequency attached by ClinVar (database versions not stated): ESP Exome Variant Server 0.00009; ExAC 0.00010; gnomAD 0.00012; TOPMed 0.00013; gnomAD exomes 0.00016.

Submission:

PreventionGenetics, part of Exact Sciences
Classification: Likely benign for PLXNA3-related condition. Last evaluated: 2022-01-17. Review status: no assertion criteria provided. Collection method: clinical testing. Allele origin: germline.
Comment: This variant is classified as likely benign based on ACMG/AMP sequence variant interpretation guidelines (Richards et al. 2015 PMID: 25741868, with internal and published modifications).